The following is an entry in ClinVar:

ClinVar aggregate classification (germline): Uncertain significance (1 of 4 stars; one submission).

Allele frequency attached by ClinVar (database versions not stated): gnomAD exomes below 0.00001.
gnomAD v4.1: 3 of 1,602,982 alleles (0.00019%); highest among the groups gnomAD compares: Middle Eastern, 0.017%; no homozygotes.

Submission:

Labcorp Genetics (formerly Invitae), Labcorp
Classification: Uncertain significance. Last evaluated: 2023-07-08. Review status: criteria provided, single submitter. Criteria: Invitae Variant Classification Sherloc (09022015). Collection method: clinical testing. Allele origin: germline.
Comment: This sequence change replaces proline, which is neutral and non-polar, with serine, which is neutral and polar, at codon 176 of the SNRPB protein (p.Pro176Ser). This variant is not present in population databases (gnomAD no frequency). This variant has not been reported in the literature in individuals affected with SNRPB-related conditions. Experimental studies and prediction algorithms are not available or were not evaluated, and the functional significance of this variant is currently unknown. In summary, the available evidence is currently insufficient to determine the role of this variant in disease. Therefore, it has been classified as a Variant of Uncertain Significance.

NM_003091.4(SNRPB):c.526C>T (p.Pro176Ser)

Gene: SNRPB (small nuclear ribonucleoprotein polypeptides B and B1; minus strand). Cytogenetic location: 20p13.
Variant type: single nucleotide variant.
Coding change: c.526C>T on transcript NM_003091.4 (MANE Select); coding-DNA position 526, C replaced by T.
Protein change: p.Pro176Ser; replaces proline 176 with serine.
Molecular consequence: missense variant.
Genome position (GRCh38, 1-based): chr20:2,463,122, G>A on the plus strand (C>T on the coding strand, the complement: SNRPB is on the minus strand). VCF-style: chr20-2463122-G-A. GRCh37 (hg19) VCF-style: chr20-2443768-G-A.
Other names: c.526C>T, p.Pro176Ser (NM_198216.2); short protein forms P176S.
Identifiers: ClinVar variation 3005022 (VCV003005022.3), dbSNP rs373871174, ClinGen allele CA408013924.